The following is an entry in ClinVar:

ClinVar aggregate classification (germline): Uncertain significance (1 of 4 stars; one submission).

Conditions:
Baraitser-winter syndrome 2. Identifiers: Orphanet 2995, MedGen C3281235, MONDO:0013812, OMIM 614583.
Autosomal dominant nonsyndromic hearing loss 20. Identifiers: Orphanet 90635, MedGen C1858172, MONDO:0011480, OMIM 604717.

Allele frequency attached by ClinVar (database versions not stated): gnomAD exomes below 0.00001; ExAC 0.00001.
gnomAD v4.1: 2 of 1,613,950 alleles (0.00012%); highest among the groups gnomAD compares: Non-Finnish European, 0.00017%; no homozygotes.

Submission:

Labcorp Genetics (formerly Invitae), Labcorp
Classification: Uncertain significance for Baraitser-winter syndrome 2; Autosomal dominant nonsyndromic hearing loss 20. Last evaluated: 2024-10-24. Review status: criteria provided, single submitter. Criteria: Invitae Variant Classification Sherloc (09022015). Collection method: clinical testing. Allele origin: germline.
Comment: This sequence change replaces glycine, which is neutral and non-polar, with serine, which is neutral and polar, at codon 273 of the ACTG1 protein (p.Gly273Ser). This variant is present in population databases (rs781967441, gnomAD 0.0009%). This variant has not been reported in the literature in individuals affected with ACTG1-related conditions. ClinVar contains an entry for this variant (Variation ID: 2098829). Invitae Evidence Modeling of protein sequence and biophysical properties (such as structural, functional, and spatial information, amino acid conservation, physicochemical variation, residue mobility, and thermodynamic stability) indicates that this missense variant is not expected to disrupt ACTG1 protein function with a negative predictive value of 80%. In summary, the available evidence is currently insufficient to determine the role of this variant in disease. Therefore, it has been classified as a Variant of Uncertain Significance.

NM_001614.5(ACTG1):c.817G>A (p.Gly273Ser)

Gene: ACTG1 (actin gamma 1; minus strand). Cytogenetic location: 17q25.3.
Variant type: single nucleotide variant.
Coding change: c.817G>A on transcript NM_001614.5 (MANE Select); coding-DNA position 817, G replaced by A.
Protein change: p.Gly273Ser; replaces glycine 273 with serine.
Molecular consequence: missense variant. On other transcripts: non-coding transcript variant (1).
Genome position (GRCh38, 1-based): chr17:81,511,094, C>T on the plus strand (G>A on the coding strand, the complement: ACTG1 is on the minus strand). VCF-style: chr17-81511094-C-T. GRCh37 (hg19) VCF-style: chr17-79478120-C-T.
Other names: c.817G>A, p.Gly273Ser (NM_001199954.3); short protein forms G273S.
Identifiers: ClinVar variation 2098829 (VCV002098829.4), dbSNP rs781967441, ClinGen allele CA8835930.
Genomic context (GRCh38, chr17:81,511,094, plus strand): 5'-GGTCTTTGCGGATGTCCACGTCACACTTCATGATGGAGTTGAAGGTGGTCTCGTGGATGC[C>T]GCAAGATTCCATACCTAGGGGACAGAGCCCTCCCTTAGTGATGCTGTGTCACCGAGGATG-3'
Protein context (NP_001605.1, residues 263-283): QPSFLGMESC[Gly273Ser]IHETTFNSIM